The following is an entry in ClinVar:

ClinVar aggregate classification (germline): Uncertain significance. Review status: criteria provided, multiple submitters, no conflicts (2 of 4 stars). 2 submissions from 2 submitters: Uncertain significance (2). Last evaluated 2025-01-05.

Conditions:
Hereditary pancreatitis (PCTT). Also called: PRSS1-Related Hereditary Pancreatitis; Hereditary chronic pancreatitis. Identifiers: Orphanet 676, MedGen C0238339, MONDO:0008185, OMIM 167800.

Allele frequency attached by ClinVar (database versions not stated): ExAC 0.00001.

Submissions (2):

Ambry Genetics
Classification: Uncertain significance for Hereditary pancreatitis. Last evaluated: 2025-01-05. Review status: criteria provided, single submitter. Criteria: Ambry Variant Classification Scheme 2023. Collection method: clinical testing. Allele origin: germline.
Comment: The p.C220Y variant (also known as c.659G>A), located in coding exon 5 of the PRSS1 gene, results from a G to A substitution at nucleotide position 659. The cysteine at codon 220 is replaced by tyrosine, an amino acid with highly dissimilar properties. This amino acid position is conserved. In addition, this alteration is predicted to be deleterious by in silico analysis. Since supporting evidence is limited at this time, the clinical significance of this alteration remains unclear.

Women's Health and Genetics/Laboratory Corporation of America, LabCorp
Classification: Uncertain significance. Last evaluated: 2022-08-18. Review status: criteria provided, single submitter. Criteria: LabCorp Variant Classification Summary - May 2015. Collection method: clinical testing. Allele origin: germline.

NM_002769.5(PRSS1):c.659G>A (p.Cys220Tyr)

Genes: PRSS1 (serine protease 1; plus strand), TRB (T cell receptor beta locus; plus strand). Cytogenetic location: 7q34.
Variant type: single nucleotide variant.
Coding change: c.659G>A on transcript NM_002769.5 (MANE Select); coding-DNA position 659, G replaced by A.
Protein change: p.Cys220Tyr; replaces cysteine 220 with tyrosine.
Molecular consequence: missense variant. On other transcripts: non-coding transcript variant (5).
Genome position (GRCh38, 1-based): chr7:142,752,935, G>A. VCF-style: chr7-142752935-G-A. GRCh37 (hg19) VCF-style: chr7-142460786-G-A.
Other names: short protein forms C220Y.
Identifiers: ClinVar variation 1705133 (VCV001705133.4), dbSNP rs757674146, ClinGen allele CA4530137.